The following is an entry in ClinVar:

ClinVar aggregate classification (germline): Pathogenic. Review status: criteria provided, multiple submitters, no conflicts (2 of 4 stars). 2 submissions from 2 submitters: Pathogenic (2). Last evaluated 2024-09-13.

Conditions:
Primary ciliary dyskinesia. Also called: Ciliary dyskinesia. Identifiers: Orphanet 244, MedGen C0008780, MONDO:0016575, HP:0012265.

Submissions (2):

Ambry Genetics
Classification: Pathogenic for Primary ciliary dyskinesia. Last evaluated: 2024-09-13. Review status: criteria provided, single submitter. Criteria: Ambry Variant Classification Scheme 2023. Collection method: clinical testing. Allele origin: germline.
Comment: The c.4695delT pathogenic mutation, located in coding exon 29 of the DNAH5 gene, results from a deletion of one nucleotide at nucleotide position 4695, causing a translational frameshift with a predicted alternate stop codon (p.F1565Lfs*9). This variant is considered to be rare based on population cohorts in the Genome Aggregation Database (gnomAD). This alteration is expected to result in loss of function by premature protein truncation or nonsense-mediated mRNA decay. As such, this alteration is interpreted as a disease-causing mutation.

Labcorp Genetics (formerly Invitae), Labcorp
Classification: Pathogenic for Primary ciliary dyskinesia. Last evaluated: 2021-01-31. Review status: criteria provided, single submitter. Criteria: Invitae Variant Classification Sherloc (09022015). Collection method: clinical testing. Allele origin: germline.
Comment: This sequence change creates a premature translational stop signal (p.Phe1565Leufs*9) in the DNAH5 gene. It is expected to result in an absent or disrupted protein product. Loss-of-function variants in DNAH5 are known to be pathogenic (PMID: 11788826, 16627867). For these reasons, this variant has been classified as Pathogenic. This variant has not been reported in the literature in individuals with DNAH5-related conditions. This variant is not present in population databases (ExAC no frequency).

Literature cited by the submitters: PubMed 11788826 (cited by Labcorp Genetics (formerly Invitae), Labcorp); PubMed 16627867 (cited by Labcorp Genetics (formerly Invitae), Labcorp).

NM_001369.3(DNAH5):c.4695del (p.Phe1565fs)

Genes: DNAH5 (dynein axonemal heavy chain 5; minus strand), DNAH5-AS1 (DNAH5 antisense RNA 1; plus strand). Cytogenetic location: 5p15.2.
Variant type: Deletion.
Coding change: c.4695del on transcript NM_001369.3 (MANE Select); coding-DNA position 4695, one base deleted (T; older notation c.4695delT).
Protein change: p.Phe1565fs; shifts the reading frame from phenylalanine 1565.
Molecular consequence: frameshift variant.
Genome position (GRCh38, 1-based): chr5:13,862,649, A deleted on the plus strand (T on the coding strand, the reverse complement: DNAH5 is on the minus strand); the first of 3 consecutive A bases (chr5:13,862,649-13,862,651); deleting any one gives the same sequence. VCF-style (leftmost placement, unchanged base first): chr5-13862648-TA-T. GRCh37 (hg19) VCF-style: chr5-13862757-TA-T.
Other names: short protein forms F1565fs.
Identifiers: ClinVar variation 1362339 (VCV001362339.9), dbSNP rs2151905765, ClinGen allele CA2573138479.
Genomic context (GRCh38, chr5:13,862,648, plus strand): 5'-CCATGTTGGCGATGATTTCCGAGGTACTGTCTCCTCTCAAGAGGAGCTCTCCACGGGTTT[TA>T]AAGCTGCCGAAGGTGAATGTTTTATTGTCCCATTCATTAATCACTTGCTTCAGCTTTTGC-3'